The following is an entry in ClinVar:

NM_006445.4(PRPF8):c.3282C>T (p.Arg1094=)

Gene: PRPF8 (pre-mRNA processing factor 8; minus strand). Cytogenetic location: 17p13.3.
Variant type: single nucleotide variant.
Coding change: c.3282C>T on transcript NM_006445.4 (MANE Select); coding-DNA position 3282, C replaced by T.
Protein change: p.Arg1094=; no amino-acid change (arginine 1094 retained).
Molecular consequence: synonymous variant.
Genome position (GRCh38, 1-based): chr17:1,674,459, G>A on the plus strand (C>T on the coding strand, the complement: PRPF8 is on the minus strand). VCF-style: chr17-1674459-G-A. GRCh37 (hg19) VCF-style: chr17-1577753-G-A.
Identifiers: ClinVar variation 4984826 (VCV004984826.1).

ClinVar aggregate classification (germline): Likely benign (1 of 4 stars; one submission).

Conditions:
PRPF8-related disorder. Also called: PRPF8-related condition.

gnomAD v4.1: 4 of 1,614,164 alleles (0.00025%); highest among the groups gnomAD compares: East Asian, 0.0089%; no homozygotes.

Submission:

PreventionGenetics, part of Exact Sciences
Classification: Likely benign for PRPF8-related condition. Last evaluated: 2024-10-16. Review status: criteria provided, single submitter. Criteria: ACMG Guidelines, 2015. Collection method: clinical testing. Allele origin: germline.
Comment: This variant is classified as likely benign based on ACMG/AMP sequence variant interpretation guidelines (Richards et al. 2015 PMID: 25741868, with internal and published modifications).